The following is an entry in ClinVar:

ClinVar aggregate classification (germline): Uncertain significance (1 of 4 stars; one submission).

gnomAD v4.1: 9 of 1,573,878 alleles (0.00057%); highest among the groups gnomAD compares: Non-Finnish European, 0.0007%; no homozygotes.

Submission:

GeneDx
Classification: Uncertain significance. Last evaluated: 2023-06-20. Review status: criteria provided, single submitter. Criteria: GeneDx Variant Classification Process June 2021. Collection method: clinical testing. Allele origin: germline. Affected: yes.
Comment: Not observed at significant frequency in large population cohorts (gnomAD); Has not been previously published as pathogenic or benign to our knowledge; In silico analysis is inconclusive as to whether the variant alters gene splicing. In the absence of RNA/functional studies, the actual effect of this sequence change is unknown.

NM_198578.4(LRRK2):c.5757+4A>G

Gene: LRRK2 (leucine rich repeat kinase 2; plus strand). Cytogenetic location: 12q12.
Variant type: single nucleotide variant.
Coding change: c.5757+4A>G on transcript NM_198578.4 (MANE Select); 4 bases into the intron after coding-DNA position 5757, A replaced by G.
Molecular consequence: intron variant.
Genome position (GRCh38, 1-based): chr12:40,328,464, A>G. VCF-style: chr12-40328464-A-G. GRCh37 (hg19) VCF-style: chr12-40722266-A-G.
Identifiers: ClinVar variation 3359875 (VCV003359875.1).